The following is an entry in ClinVar:

ClinVar aggregate classification (germline): Uncertain significance. Review status: criteria provided, multiple submitters, no conflicts (2 of 4 stars). 2 submissions from 2 submitters: Uncertain significance (2). Last evaluated 2022-12-17.

Conditions:
Opsismodysplasia (OPSMD). Also called: INPPL1-Related Opsismodysplasia. Identifiers: Orphanet 2746, MedGen C0432219, MONDO:0009785, OMIM 258480.

Allele frequency attached by ClinVar (database versions not stated): ExAC 0.00001; gnomAD exomes 0.00001; ESP Exome Variant Server 0.00008.
gnomAD v4.1: 7 of 1,611,260 alleles (0.00043%); highest among the groups gnomAD compares: East Asian, 0.0022%; no homozygotes.

Submissions (3):

Dubai Health Genomic Medicine Center, Dubai Health
Classification: Uncertain significance. Last evaluated: 2022-12-17. Review status: criteria provided, single submitter. Criteria: ACMG Guidelines, 2015. Collection method: clinical testing. Allele origin: germline. Affected: yes.

Baylor Genetics
Classification: Uncertain significance for Opsismodysplasia. Last evaluated: 2018-08-18. Review status: criteria provided, single submitter. Criteria: ACMG Guidelines, 2015. Collection method: clinical testing. Allele origin: unknown. Affected: yes.
Comment: This variant was determined to be of uncertain significance according to ACMG Guidelines, 2015 [PMID:25741868].

Dr. Peter K. Rogan Lab, Western University
No classification provided (evidence only). Condition: Uterine corpus endometrial carcinoma. Review status: no classification provided. Collection method: in vitro. Allele origin: not applicable. Functional consequence: cryptic splice site, retained intron. Not counted in ClinVar's aggregate classification.

NM_001567.4(INPPL1):c.2326+9C>T

Gene: INPPL1 (inositol polyphosphate phosphatase like 1; plus strand). Cytogenetic location: 11q13.4.
Variant type: single nucleotide variant.
Coding change: c.2326+9C>T on transcript NM_001567.4 (MANE Select); 9 bases into the intron after coding-DNA position 2326, C replaced by T.
Molecular consequence: intron variant.
Genome position (GRCh38, 1-based): chr11:72,234,403, C>T. VCF-style: chr11-72234403-C-T. GRCh37 (hg19) VCF-style: chr11-71945447-C-T.
Other names: NC_000011.9:g.71945447C>T.
Identifiers: ClinVar variation 1032754 (VCV001032754.4), dbSNP rs370540380, ClinGen allele CA6170316.